The following is an entry in ClinVar:

ClinVar aggregate classification (germline): Uncertain significance (1 of 4 stars; one submission).

Conditions:
ADCY3-related disorder. Also called: ADCY3-related condition.

gnomAD v4.1: 4 of 1,614,270 alleles (0.00025%); highest among the groups gnomAD compares: East Asian, 0.0045%; no homozygotes.

Submission:

PreventionGenetics, part of Exact Sciences
Classification: Uncertain significance for ADCY3-related condition. Last evaluated: 2026-07-13. Review status: criteria provided, single submitter. Criteria: ACMG Guidelines, 2015. Collection method: clinical testing. Allele origin: germline.
Comment: The ADCY3 c.2329C>T variant is predicted to result in the amino acid substitution p.Leu777Phe. To our knowledge, this variant has not been reported in the literature or in a large population database (gnomAD), indicating this variant is rare. At this time, the clinical significance of this variant is uncertain due to the absence of conclusive functional and genetic evidence.

NM_004036.5(ADCY3):c.2329C>T (p.Leu777Phe)

Gene: ADCY3 (adenylate cyclase 3; minus strand). Cytogenetic location: 2p23.3.
Variant type: single nucleotide variant.
Coding change: c.2329C>T on transcript NM_004036.5 (MANE Select); coding-DNA position 2329, C replaced by T.
Protein change: p.Leu777Phe; replaces leucine 777 with phenylalanine.
Molecular consequence: missense variant. On other transcripts: intron variant (1).
Genome position (GRCh38, 1-based): chr2:24,828,005, G>A on the plus strand (C>T on the coding strand, the complement: ADCY3 is on the minus strand). VCF-style: chr2-24828005-G-A. GRCh37 (hg19) VCF-style: chr2-25050874-G-A.
Other names: c.2329C>T, p.Leu777Phe (NM_001320613.2, NM_001377132.1); c.2395C>T, p.Leu799Phe (NM_001377128.1); c.2191C>T, p.Leu731Phe (NM_001377129.1); c.1606C>T, p.Leu536Phe (NM_001377131.1); c.2172+2704C>T (NM_001377130.1); short protein forms L731F, L777F, L536F, L799F.
Identifiers: ClinVar variation 4991948 (VCV004991948.1).
Genomic context (GRCh38, chr2:24,828,005, plus strand): 5'-GACGCCAGGCATAGAGGTTGATGGTGGCCACGGCGCCTGCGACGAGCAGCATGAGCGTGA[G>A]CTTCACCATGTGGCTGACCTGCACCAGCATGATGGTGGCGATGAGGGACAGCACGGCCAC-3'
Protein context (NP_004027.2, residues 767-787): MLVQVSHMVK[Leu777Phe]TLMLLVAGAV